The following is an entry in ClinVar:

NM_000203.5(IDUA):c.1A>G (p.Met1Val)

Genes: IDUA (alpha-L-iduronidase; plus strand), SLC26A1 (solute carrier family 26 member 1; minus strand). Cytogenetic location: 4p16.3.
Variant type: single nucleotide variant.
Coding change: c.1A>G on transcript NM_000203.5 (MANE Select); coding-DNA position 1, A replaced by G.
Protein change: p.Met1Val; changes the start codon (methionine 1).
Molecular consequence: missense variant, initiator codon variant. On other transcripts: non-coding transcript variant (1), intron variant (1).
Genome position (GRCh38, 1-based): chr4:987,085, A>G. VCF-style: chr4-987085-A-G. GRCh37 (hg19) VCF-style: chr4-980873-A-G.
Other names: NM_000203.5(IDUA):c.1A>G; p.Met1Val; c.576+4043T>C (NM_134425.4); short protein forms M1V.
Identifiers: ClinVar variation 1323098 (VCV001323098.14), dbSNP rs1553914737, ClinGen allele CA355945206.

ClinVar aggregate classification (germline): Pathogenic. Review status: reviewed by expert panel (3 of 4 stars). 4 submissions from 4 submitters: Pathogenic (1). 3 of the submissions do not count toward it. Last evaluated 2024-12-06.

Conditions:
Mucopolysaccharidosis type 1. Also called: IDUA deficiency; MPS I; Mucopolysaccharidosis Type I. Identifiers: Orphanet 579, MedGen C0023786, MONDO:0001586.

Allele frequency attached by ClinVar (database versions not stated): gnomAD exomes below 0.00001.

Submissions (4):

ClinGen Lysosomal Storage Disorder Variant Curation Expert Panel
Classification: Pathogenic for Mucopolysaccharidosis type 1. Last evaluated: 2024-12-06. Review status: reviewed by expert panel. Criteria: ClinGen LSD ACMG Specifications IDUA V1.0.0. Collection method: curation. Allele origin: germline. Inheritance: Autosomal recessive inheritance.
Comment: The NM_000203.5:c.1A>G (p.Met1?) variant in IDUA is predicted to cause an N-terminal truncated or absent protein by altering the start codon of the coding sequence. The next in-frame ATG is at position 133. If that ATG is used as a start signal, the lysosomal signal sequence (amino acids 1-27) would be lost (PVS1). Two patients with severe MPS1 (Hurler syndrome) are reported to be homozygous for the variant (PMID: 27146977, 28752568) (PM3). The highest population minor allele frequency in gnomAD v4.1.0. is 8.893e-7 (1/1124490) in the European non-Finnish population, which is lower than the ClinGen Lysosomal Diseases VCEP’s threshold for PM2_Supporting (<0.00025), meeting this criterion (PM2_Supporting). Of note, other variants that abolish the start ATG have been identified in individuals with mucopolysaccharidosis type 1 (c.1A>C, ClinVar Variation ID: 550458; c.2T>C, ClinVar Variation ID: 639529). There is a ClinVar entry for c.1A>G (Variation ID:1323098). In summary, this variant, c.1A>G (p.Met1?) meets the criteria to be classified as pathogenic for mucopolysaccharidosis type 1. IDUA-specific ACMG/AMP criteria applied, as specified by the ClinGen Lysosomal Diseases Variant Curation Expert Panel (Specifications Version 1.0.0): PVS1, PM3, PP4, PM2_Supporting. (Classification approved by the ClinGen Lysosomal Diseases Variant Curation Expert Panel on December 6, 2024)

Natera, Inc.
Classification: Pathogenic for Mucopolysaccharidosis type I. Last evaluated: 2025-03-18. Review status: criteria provided, single submitter. Criteria: Natera Variant Classification Schema (03/2026). Collection method: clinical testing. Allele origin: germline. Not counted in ClinVar's aggregate classification.
Comment: The c.1A>G variant in IDUA is predicted to result in start loss due to disruption of the initiator methionine. This variant is expected to result in nonsense mediated decay, truncation, or a dysfunctional protein product. This variant is rare in the general population with a frequency below the threshold expected for the associated phenotype(s). This variant has been observed in one or more individuals affected with the associated recessive disease, as either homozygous or compound heterozygous with a second variant (PMID: 28752568, 27146977). Functional studies show that this variant may disrupt protein function (PMID: 27146977). Given the available evidence, this variant is classified as Pathogenic.

Labcorp Genetics (formerly Invitae), Labcorp
Classification: Pathogenic for Mucopolysaccharidosis type 1. Last evaluated: 2024-04-22. Review status: criteria provided, single submitter. Criteria: Invitae Variant Classification Sherloc (09022015). Collection method: clinical testing. Allele origin: germline. Not counted in ClinVar's aggregate classification.
Comment: This sequence change affects the initiator methionine of the IDUA mRNA. The next in-frame methionine is located at codon 133. This variant is not present in population databases (gnomAD no frequency). Disruption of the initiator codon has been observed in individual(s) with mucopolysaccharidosis type I (PMID: 27146977, 31236806). ClinVar contains an entry for this variant (Variation ID: 1323098). For these reasons, this variant has been classified as Pathogenic.

Revvity Omics, Revvity
Classification: Pathogenic. Last evaluated: 2019-04-08. Review status: criteria provided, single submitter. Criteria: ACMG Guidelines, 2015. Collection method: clinical testing. Allele origin: germline. Not counted in ClinVar's aggregate classification.

Literature cited by the submitters: PubMed 28752568 (cited by Natera, Inc.); PubMed 27146977 (cited by Natera, Inc. and Labcorp Genetics (formerly Invitae), Labcorp); PubMed 31236806 (cited by Labcorp Genetics (formerly Invitae), Labcorp).